The following is an entry in ClinVar:

ClinVar aggregate classification (germline): Uncertain significance (1 of 4 stars; one submission).

Conditions:
Inborn genetic diseases. Identifiers: MedGen C0950123, MeSH D030342.

Submission:

Ambry Genetics
Classification: Uncertain significance for Inborn genetic diseases. Last evaluated: 2025-08-14. Review status: criteria provided, single submitter. Criteria: Ambry Variant Classification Scheme 2023. Collection method: clinical testing. Allele origin: germline.
Comment: The p.T676R variant (also known as c.2027C>G), located in coding exon 8 of the MECOM gene, results from a C to G substitution at nucleotide position 2027. The threonine at codon 676 is replaced by arginine, an amino acid with similar properties. This amino acid position is conserved. In addition, this alteration is predicted to be tolerated by in silico analysis. Based on the available evidence, the clinical significance of this variant remains unclear.

NM_004991.4(MECOM):c.2027C>G (p.Thr676Arg)

Gene: MECOM (MDS1 and EVI1 complex locus; minus strand). Cytogenetic location: 3q26.2.
Variant type: single nucleotide variant.
Coding change: c.2027C>G on transcript NM_004991.4 (MANE Select); coding-DNA position 2027, C replaced by G.
Protein change: p.Thr676Arg; replaces threonine 676 with arginine.
Molecular consequence: missense variant. On other transcripts: intron variant (2).
Genome position (GRCh38, 1-based): chr3:169,115,845, G>C on the plus strand (C>G on the coding strand, the complement: MECOM is on the minus strand). VCF-style: chr3-169115845-G-C. GRCh37 (hg19) VCF-style: chr3-168833633-G-C.
Other names: c.1658C>G, p.Thr553Arg (NM_001105077.4); c.1463C>G, p.Thr488Arg (NM_001105078.4, NM_001164000.2, NM_001205194.2 and 4 more transcripts); c.1466C>G, p.Thr489Arg (NM_001163999.2, NM_001366467.2, NM_001366468.2 and 1 more transcripts); c.2027C>G, p.Thr676Arg (NM_001366466.2); c.1133-78C>G (NM_001366473.2); c.569-78C>G (NM_001366474.2); short protein forms T553R, T489R, T676R, T488R.
Identifiers: ClinVar variation 4105845 (VCV004105845.1).